The following is an entry in ClinVar:

NM_206933.4(USH2A):c.3648C>T (p.Tyr1216=)

Genes: USH2A-AS1 (USH2A antisense RNA 1; plus strand), USH2A (usherin; minus strand). Cytogenetic location: 1q41.
Variant type: single nucleotide variant.
Coding change: c.3648C>T on transcript NM_206933.4 (MANE Select); coding-DNA position 3648, C replaced by T.
Protein change: p.Tyr1216=; no amino-acid change (tyrosine 1216 retained).
Molecular consequence: synonymous variant.
Genome position (GRCh38, 1-based): chr1:216,199,790, G>A on the plus strand (C>T on the coding strand, the complement: USH2A is on the minus strand). VCF-style: chr1-216199790-G-A. GRCh37 (hg19) VCF-style: chr1-216373132-G-A.
Other names: c.3648C>T, p.Tyr1216= (NM_007123.6).
Identifiers: ClinVar variation 166509 (VCV000166509.23), dbSNP rs147947402, ClinGen allele CA179572.

ClinVar aggregate classification (germline): Conflicting classifications of pathogenicity. Review status: criteria provided, conflicting classifications (1 of 4 stars). 8 submissions from 7 submitters: Uncertain significance (2); Benign (3); Likely benign (2). 1 of the submissions does not count toward it. Last evaluated 2026-02-02.

Conditions:
Retinitis pigmentosa (RP). Identifiers: Orphanet 791, MedGen C0035334, MeSH D012174, MONDO:0019200, OMIM 268000. Inheritance: Autosomal dominant, autosomal recessive and X linked inheritance.
Usher syndrome type 2A. Also called: USHER SYNDROME, TYPE IIA; RETINAL DISEASE IN USHER SYNDROME TYPE IIA, MODIFIER OF. Identifiers: Orphanet 231178, Orphanet 886, MedGen C1848634, MONDO:0010169, OMIM 276901.

Allele frequency attached by ClinVar (database versions not stated): gnomAD exomes 0.00026 and 0.00042; ExAC 0.00048; ESP Exome Variant Server 0.00123; gnomAD 0.00151 and 0.00167; TOPMed 0.00168; 1000 Genomes Project 30x 0.00172; 1000 Genomes Project 0.00200.
gnomAD v4.1: 622 of 1,614,098 alleles (0.039%); highest among the groups gnomAD compares: African/African-American, 0.54%; 2 homozygotes.

Submissions (8):

Labcorp Genetics (formerly Invitae), Labcorp
Classification: Benign. Last evaluated: 2026-02-02. Review status: criteria provided, single submitter. Criteria: Invitae Variant Classification Sherloc (09022015). Collection method: clinical testing. Allele origin: germline.

Blueprint Genetics
Classification: Likely benign. Last evaluated: 2024-11-06. Review status: criteria provided, single submitter. Criteria: ACMG Guidelines, 2015. Collection method: clinical testing. Allele origin: germline.

GeneDx
Classification: Likely benign. Last evaluated: 2020-08-10. Review status: criteria provided, single submitter. Criteria: GeneDx Variant Classification Process June 2021. Collection method: clinical testing. Allele origin: germline. Affected: yes.

Athena Diagnostics
Classification: Benign. Last evaluated: 2018-11-12. Review status: criteria provided, single submitter. Criteria: Athena Diagnostics Criteria. Collection method: clinical testing. Allele origin: germline.

Illumina Laboratory Services, Illumina
Classification: Uncertain significance for Usher syndrome type 2A. Last evaluated: 2018-01-13. Review status: criteria provided, single submitter. Criteria: ICSL Variant Classification Criteria 13 December 2019. Collection method: clinical testing. Allele origin: germline.

Illumina Laboratory Services, Illumina
Classification: Uncertain significance for Retinitis pigmentosa. Last evaluated: 2018-01-13. Review status: criteria provided, single submitter. Criteria: ICSL Variant Classification Criteria 13 December 2019. Collection method: clinical testing. Allele origin: germline.

Laboratory for Molecular Medicine, Mass General Brigham Personalized Medicine
Classification: Benign. Last evaluated: 2016-05-28. Review status: criteria provided, single submitter. Criteria: LMM Criteria. Collection method: clinical testing. Allele origin: germline. Observed: 2 variant alleles.
Comment: Tyr1216Tyr in Exon 17 of USH2A: This variant is not expected to have clinical si gnificance because it does not alter an amino acid residue, is not located withi n the splice consensus sequence, and has been identified in 0.5% (48/10406) of A frican chromosomes including 1 homozygote by the Exome Aggregation Consortium (E xAC; dbSNP rs147947402).

Natera, Inc.
Classification: Likely benign for Usher syndrome type 2A. Last evaluated: 2020-01-07. Review status: no assertion criteria provided. Collection method: clinical testing. Allele origin: germline. Not counted in ClinVar's aggregate classification.